The following is an entry in ClinVar:

ClinVar aggregate classification (germline): Uncertain significance. Review status: criteria provided, multiple submitters, no conflicts (2 of 4 stars). 2 submissions from 2 submitters: Uncertain significance (2). Last evaluated 2024-07-07.

Conditions:
Inborn genetic diseases. Identifiers: MedGen C0950123, MeSH D030342.

Allele frequency attached by ClinVar (database versions not stated): gnomAD exomes below 0.00001; TOPMed below 0.00001.
gnomAD v4.1: 2 of 1,614,176 alleles (0.00012%); highest among the groups gnomAD compares: African/African-American, 0.0013%; no homozygotes.

Submissions (2):

Ambry Genetics
Classification: Uncertain significance for Inborn genetic diseases. Last evaluated: 2024-07-07. Review status: criteria provided, single submitter. Criteria: Ambry Variant Classification Scheme 2023. Collection method: clinical testing. Allele origin: germline.

GeneDx
Classification: Uncertain significance. Last evaluated: 2022-03-04. Review status: criteria provided, single submitter. Criteria: GeneDx Variant Classification Process June 2021. Collection method: clinical testing. Allele origin: germline. Affected: yes.
Comment: Not observed in large population cohorts (gnomAD); In silico analysis supports that this missense variant does not alter protein structure/function; Occurs in the triple helical domain at the X position in the canonical Gly-X-Y repeat; although this variant may have an effect on normal protein folding and function, missense substitution at the X position is not a common mechanism of disease; Has not been previously published as pathogenic or benign to our knowledge

NM_000092.5(COL4A4):c.3083C>T (p.Pro1028Leu)

Gene: COL4A4 (collagen type IV alpha 4 chain; minus strand). Cytogenetic location: 2q36.3.
Variant type: single nucleotide variant.
Coding change: c.3083C>T on transcript NM_000092.5 (MANE Select); coding-DNA position 3083, C replaced by T.
Protein change: p.Pro1028Leu; replaces proline 1028 with leucine.
Molecular consequence: missense variant.
Genome position (GRCh38, 1-based): chr2:227,051,044, G>A on the plus strand (C>T on the coding strand, the complement: COL4A4 is on the minus strand). VCF-style: chr2-227051044-G-A. GRCh37 (hg19) VCF-style: chr2-227915760-G-A.
Other names: short protein forms P1028L.
Identifiers: ClinVar variation 1314471 (VCV001314471.4), dbSNP rs1403780482, ClinGen allele CA350839062.